The following is an entry in ClinVar:

ClinVar aggregate classification (germline): Benign/Likely benign. Review status: criteria provided, multiple submitters, no conflicts (2 of 4 stars). 9 submissions from 9 submitters: Benign (5); Likely benign (1). 3 of the submissions do not count toward it. Last evaluated 2026-02-01.

Conditions:
Hypertrophic cardiomyopathy. Also called: HYPERTROPHIC MYOCARDIOPATHY. Identifiers: Orphanet 217569, MedGen C0007194, MeSH D002312, MONDO:0005045, HP:0001639.
Primary dilated cardiomyopathy (DCM). Also called: Dilated Cardiomyopathy. Identifiers: Orphanet 217604, MedGen C0007193, MeSH D002311, MONDO:0005021, HP:0001644. Inheritance: Various modes of inheritance.

Allele frequency attached by ClinVar (database versions not stated): 1000 Genomes Project 30x 0.00281; gnomAD 0.00729 and 0.00697; 1000 Genomes Project 0.00260; ESP Exome Variant Server 0.00807; TOPMed 0.00667.
gnomAD v4.1: 16,048 of 1,614,126 alleles (0.99%); highest among the groups gnomAD compares: Non-Finnish European, 1.1%; 106 homozygotes.

Submissions (9):

Labcorp Genetics (formerly Invitae), Labcorp
Classification: Benign for Hypertrophic cardiomyopathy; Primary dilated cardiomyopathy. Last evaluated: 2026-02-01. Review status: criteria provided, single submitter. Criteria: Invitae Variant Classification Sherloc (09022015). Collection method: clinical testing. Allele origin: germline.

Women's Health and Genetics/Laboratory Corporation of America, LabCorp
Classification: Benign. Last evaluated: 2023-04-26. Review status: criteria provided, single submitter. Criteria: LabCorp Variant Classification Summary - May 2015. Collection method: clinical testing. Allele origin: germline.

Ambry Genetics
Classification: Likely benign. Last evaluated: 2022-05-17. Review status: criteria provided, single submitter. Criteria: Ambry Variant Classification Scheme 2023. Collection method: clinical testing. Allele origin: germline.

Laboratory for Molecular Medicine, Mass General Brigham Personalized Medicine
Classification: Benign. Last evaluated: 2014-11-24. Review status: criteria provided, single submitter. Criteria: LMM Criteria. Collection method: clinical testing. Allele origin: germline. Observed: 9 variant alleles.
Comment: Gly54Gly in exon 2 of PDLIM3: This variant is not expected to have clinical sign ificance because it does not alter an amino acid residue and is not located with in the splice consensus sequence. It has been identified in 1.0% (85/8600) of Eu ropean American chromosomes from a broad population by the NHLBI Exome Sequencin g Project (dbSNP rs112661328).

GeneDx
Classification: Benign. Last evaluated: 2014-06-11. Review status: criteria provided, single submitter. Criteria: GeneDx Variant Classification (06012015). Collection method: clinical testing. Allele origin: germline. Affected: yes.
Comment: This variant is considered likely benign or benign based on one or more of the following criteria: it is a conservative change, it occurs at a poorly conserved position in the protein, it is predicted to be benign by multiple in silico algorithms, and/or has population frequency not consistent with disease.

Breakthrough Genomics
Classification: Benign. Review status: criteria provided, single submitter. Criteria: ACMG Guidelines, 2015. Collection method: not provided. Allele origin: germline. Inheritance: Unknown mechanism. Affected: yes.

Clinical Genetics DNA and cytogenetics Diagnostics Lab, Erasmus MC, Erasmus Medical Center
Classification: Benign. Review status: no assertion criteria provided. Collection method: clinical testing. Allele origin: germline. Affected: yes. Study: VKGL Data-share Consensus. Not counted in ClinVar's aggregate classification.

Genome Diagnostics Laboratory, University Medical Center Utrecht
Classification: Benign. Review status: no assertion criteria provided. Collection method: clinical testing. Allele origin: germline. Affected: yes. Study: VKGL Data-share Consensus. Not counted in ClinVar's aggregate classification.

Joint Genome Diagnostic Labs from Nijmegen and Maastricht, Radboudumc and MUMC+
Classification: Likely benign. Review status: no assertion criteria provided. Collection method: clinical testing. Allele origin: germline. Affected: yes. Study: VKGL Data-share Consensus. Not counted in ClinVar's aggregate classification.

NM_014476.6(PDLIM3):c.162C>T (p.Gly54=)

Gene: PDLIM3 (PDZ and LIM domain 3; minus strand). Cytogenetic location: 4q35.1.
Variant type: single nucleotide variant.
Coding change: c.162C>T on transcript NM_014476.6 (MANE Select); coding-DNA position 162, C replaced by T.
Protein change: p.Gly54=; no amino-acid change (glycine 54 retained).
Molecular consequence: synonymous variant. On other transcripts: non-coding transcript variant (1), intron variant (1).
Genome position (GRCh38, 1-based): chr4:185,525,103, G>A on the plus strand (C>T on the coding strand, the complement: PDLIM3 is on the minus strand). VCF-style: chr4-185525103-G-A. GRCh37 (hg19) VCF-style: chr4-186446257-G-A.
Other names: p.G54G:GGC>GGT; c.162C>T, p.Gly54= (NM_001114107.5, NM_001257962.2); c.93+10239C>T (NM_001257963.2).
Identifiers: ClinVar variation 138668 (VCV000138668.27), dbSNP rs112661328, ClinGen allele CA333132.